The following is an entry in ClinVar:

NM_004055.5(CAPN5):c.1313G>A (p.Arg438His)

Gene: CAPN5 (calpain 5; plus strand). Cytogenetic location: 11q13.5.
Variant type: single nucleotide variant.
Coding change: c.1313G>A on transcript NM_004055.5 (MANE Select); coding-DNA position 1313, G replaced by A.
Protein change: p.Arg438His; replaces arginine 438 with histidine.
Molecular consequence: missense variant. On other transcripts: non-coding transcript variant (1).
Genome position (GRCh38, 1-based): chr11:77,120,735, G>A. VCF-style: chr11-77120735-G-A. GRCh37 (hg19) VCF-style: chr11-76831781-G-A.
Other names: c.1433G>A, p.Arg478His (NM_001425321.1); c.1313G>A, p.Arg438His (NM_001425322.1); c.1181G>A, p.Arg394His (NM_001425323.1); short protein forms R394H, R438H, R478H.
Identifiers: ClinVar variation 4768742 (VCV004768742.1).
Genomic context (GRCh38, chr11:77,120,735, plus strand): 5'-GTGTCTCCGCGTGGCCCAGCCCCTCCCGCCTCCTGCAGGTGGAGGAGAACCGCCAGTACC[G>A]CATGCACAGCCTGCAGCACAAGGCCGCCAGCTCCATCTACATCAACTCACGCAGCGTCTT-3'
Protein context (NP_004046.2, residues 428-448): IYKVEENRQY[Arg438His]MHSLQHKAAS

ClinVar aggregate classification (germline): Uncertain significance (1 of 4 stars; one submission).

gnomAD v4.1: 9 of 1,611,822 alleles (0.00056%); highest among the groups gnomAD compares: East Asian, 0.0022%; no homozygotes.

Submission:

Labcorp Genetics (formerly Invitae), Labcorp
Classification: Uncertain significance. Last evaluated: 2026-01-12. Review status: criteria provided, single submitter. Criteria: Invitae Variant Classification Sherloc (09022015). Collection method: clinical testing. Allele origin: germline.
Comment: This sequence change replaces arginine, which is basic and polar, with histidine, which is basic and polar, at codon 438 of the CAPN5 protein (p.Arg438His). This variant is present in population databases (rs782109539, gnomAD 0.007%). This variant has not been reported in the literature in individuals affected with CAPN5-related conditions. Invitae Evidence Modeling of protein sequence and biophysical properties (such as structural, functional, and spatial information, amino acid conservation, physicochemical variation, residue mobility, and thermodynamic stability) indicates that this missense variant is expected to disrupt CAPN5 protein function with a positive predictive value of 80%. In summary, the available evidence is currently insufficient to determine the role of this variant in disease. Therefore, it has been classified as a Variant of Uncertain Significance.